The following is an entry in ClinVar:

NM_001354712.2(THRB):c.1045G>C (p.Val349Leu)

Gene: THRB (thyroid hormone receptor beta; minus strand). Cytogenetic location: 3p24.2.
Variant type: single nucleotide variant.
Coding change: c.1045G>C on transcript NM_001354712.2 (MANE Select); coding-DNA position 1045, G replaced by C.
Protein change: p.Val349Leu; replaces valine 349 with leucine.
Molecular consequence: missense variant. On other transcripts: intron variant (1).
Genome position (GRCh38, 1-based): chr3:24,127,598, C>G on the plus strand (G>C on the coding strand, the complement: THRB is on the minus strand). VCF-style: chr3-24127598-C-G. GRCh37 (hg19) VCF-style: chr3-24169089-C-G.
Other names: c.1045G>C, p.Val349Leu (NM_000461.5, NM_001128176.3, NM_001128177.2 and 11 more transcripts); c.952G>C, p.Val318Leu (NM_001354714.2, NM_001354715.2); c.973+72G>C (NM_001374827.1); short protein forms V318L, V349L.
Identifiers: ClinVar variation 5002489 (VCV005002489.1).

ClinVar aggregate classification (germline): Likely pathogenic (1 of 4 stars; one submission).

Conditions:
THRB-related disorder. Also called: THRB-related condition.

Submission:

PreventionGenetics, part of Exact Sciences
Classification: Likely pathogenic for THRB-related condition. Last evaluated: 2026-03-30. Review status: criteria provided, single submitter. Criteria: ACMG Guidelines, 2015. Collection method: clinical testing. Allele origin: germline.
Comment: The THRB c.1045G>C variant is predicted to result in the amino acid substitution p.Val349Leu. This variant has been reported in at least four individuals with thyroid hormone signaling disorder (Pulcrano et al. 2009. PubMed ID: 19435825; Rodolfi et al. 2025. Pubmed ID: PMID: 40647159). This variant was detected internally in two members of a single family affected by thyroid disease/thyroid hormone resistance (Internal data, PreventionGenetics). This variant has not been reported in a large population database (gnomAD), indicating this variant is rare. Alternate missense changes at this same amino acid position (p.Val349Met, p.Val349Ala, p.Val349Glu) have been reported in individuals with thyroid hormone resistance (Macchia et al. 2014. PubMed ID: 25040256; Kim et al. 2008. PubMed ID: 18363280; Adams et al. 1994. PubMed ID: 8040303; Liu et al. 2020. PubMed ID: 32505587; Seto et al. 1996. PubMed ID: 8889584).This variant is interpreted as likely pathogenic.